The following is an entry in ClinVar:

ClinVar aggregate classification (germline): Uncertain significance. Review status: criteria provided, multiple submitters, no conflicts (2 of 4 stars). 2 submissions from 2 submitters: Uncertain significance (2). Last evaluated 2026-08-31.

Conditions:
Rhabdoid tumor predisposition syndrome 2 (RTPS2). Identifiers: Orphanet 231108, Orphanet 69077, MedGen C2750074, MONDO:0013224, OMIM 613325.
Hereditary cancer-predisposing syndrome. Also called: Hereditary Cancer Syndrome; Hereditary neoplastic syndrome; Neoplastic Syndromes, Hereditary; Tumor predisposition. Identifiers: Orphanet 140162, MedGen C0027672, MeSH D009386, MONDO:0015356.

Submissions (2):

Ambry Genetics
Classification: Uncertain significance for Hereditary cancer-predisposing syndrome. Last evaluated: 2026-08-31. Review status: criteria provided, single submitter. Criteria: Ambry Variant Classification Scheme 2023. Collection method: clinical testing. Allele origin: germline.
Comment: The p.A292T variant (also known as c.874G>A), located in coding exon 5 of the SMARCA4 gene, results from a G to A substitution at nucleotide position 874. The alanine at codon 292 is replaced by threonine, an amino acid with similar properties. This amino acid position is conserved. In addition, the in silico prediction for this alteration is inconclusive. Based on the available evidence, the clinical significance of this variant remains unclear.

Labcorp Genetics (formerly Invitae), Labcorp
Classification: Uncertain significance for Rhabdoid tumor predisposition syndrome 2. Last evaluated: 2023-06-27. Review status: criteria provided, single submitter. Criteria: Invitae Variant Classification Sherloc (09022015). Collection method: clinical testing. Allele origin: germline.
Comment: In summary, the available evidence is currently insufficient to determine the role of this variant in disease. Therefore, it has been classified as a Variant of Uncertain Significance. Advanced modeling of protein sequence and biophysical properties (such as structural, functional, and spatial information, amino acid conservation, physicochemical variation, residue mobility, and thermodynamic stability) has been performed at Invitae for this missense variant, however the output from this modeling did not meet the statistical confidence thresholds required to predict the impact of this variant on SMARCA4 protein function. This variant has not been reported in the literature in individuals affected with SMARCA4-related conditions. This variant is not present in population databases (gnomAD no frequency). This sequence change replaces alanine, which is neutral and non-polar, with threonine, which is neutral and polar, at codon 292 of the SMARCA4 protein (p.Ala292Thr).

NM_003072.5(SMARCA4):c.874G>A (p.Ala292Thr)

Gene: SMARCA4 (SWI/SNF related BAF chromatin remodeling complex subunit ATPase 4; plus strand). Cytogenetic location: 19p13.2.
Variant type: single nucleotide variant.
Coding change: c.874G>A on transcript NM_003072.5 (MANE Select); coding-DNA position 874, G replaced by A.
Protein change: p.Ala292Thr; replaces alanine 292 with threonine.
Molecular consequence: missense variant. On other transcripts: non-coding transcript variant (1).
Genome position (GRCh38, 1-based): chr19:10,987,680, G>A. VCF-style: chr19-10987680-G-A. GRCh37 (hg19) VCF-style: chr19-11098356-G-A.
Other names: c.874G>A, p.Ala292Thr (NM_001128844.3, NM_001128845.2, NM_001128846.2 and 6 more transcripts); c.874G>A (NM_001128849.1); short protein forms A292T.
Identifiers: ClinVar variation 2730330 (VCV002730330.4), dbSNP rs2145813869, ClinGen allele CA404058333.